The following is an entry in ClinVar:

ClinVar aggregate classification (germline): Likely benign (1 of 4 stars; one submission).

Submission:

CeGaT Center for Human Genetics Tuebingen
Classification: Likely benign. Last evaluated: 2022-06-01. Review status: criteria provided, single submitter. Criteria: CeGaT Center For Human Genetics Tuebingen Variant Classification Criteria Version 2. Collection method: clinical testing. Allele origin: germline. Affected: yes. Observed: 1 variant allele.
Comment: QDPR: PM2:Supporting, BP4, BP7

NM_000320.3(QDPR):c.432T>C (p.Thr144=)

Gene: QDPR (quinoid dihydropteridine reductase; minus strand). Cytogenetic location: 4p15.32.
Variant type: single nucleotide variant.
Coding change: c.432T>C on transcript NM_000320.3 (MANE Select); coding-DNA position 432, T replaced by C.
Protein change: p.Thr144=; no amino-acid change (threonine 144 retained).
Molecular consequence: synonymous variant. On other transcripts: non-coding transcript variant (1).
Genome position (GRCh38, 1-based): chr4:17,501,723, A>G on the plus strand (T>C on the coding strand, the complement: QDPR is on the minus strand). VCF-style: chr4-17501723-A-G. GRCh37 (hg19) VCF-style: chr4-17503346-A-G.
Other names: c.339T>C, p.Thr113= (NM_001306140.2).
Identifiers: ClinVar variation 2654686 (VCV002654686.24), dbSNP rs2474671490, ClinGen allele CA438713579.